The following is an entry in ClinVar:

ClinVar aggregate classification (germline): Pathogenic (1 of 4 stars; one submission).

Conditions:
Early-infantile DEE. Also called: Ohtahara syndrome; Early infantile epileptic encephalopathy with suppression bursts; Early infantile epileptic encephalopathy. Identifiers: Orphanet 1934, MedGen C0393706, MONDO:0800491.

Submission:

Labcorp Genetics (formerly Invitae), Labcorp
Classification: Pathogenic for Early-infantile DEE. Last evaluated: 2021-12-24. Review status: criteria provided, single submitter. Criteria: Invitae Variant Classification Sherloc (09022015). Collection method: clinical testing. Allele origin: germline.
Comment: This sequence change creates a premature translational stop signal (p.Tyr545*) in the SCN1A gene. It is expected to result in an absent or disrupted protein product. Loss-of-function variants in SCN1A are known to be pathogenic (PMID: 17347258, 18930999). This variant is not present in population databases (gnomAD no frequency). This variant has not been reported in the literature in individuals affected with SCN1A-related conditions. ClinVar contains an entry for this variant (Variation ID: 965728). For these reasons, this variant has been classified as Pathogenic.

Literature cited by the submitters: PubMed 17347258; PubMed 18930999.

NM_001165963.4(SCN1A):c.1634_1635del (p.Thr544_Tyr545insTer)

Gene: SCN1A (sodium voltage-gated channel alpha subunit 1; minus strand). Cytogenetic location: 2q24.3.
Variant type: Microsatellite.
Coding change: c.1634_1635del on transcript NM_001165963.4 (MANE Select); coding-DNA positions 1634 to 1635, 2 bases deleted (AT; older notation c.1634_1635delAT).
Protein change: p.Thr544_Tyr545insTer.
Molecular consequence: nonsense. On other transcripts: 5 prime UTR variant (1), non-coding transcript variant (1).
Genome position (GRCh38, 1-based): chr2:166,045,070-166,045,071, AT deleted on the plus strand (AT on the coding strand, the reverse complement: SCN1A is on the minus strand); deleting any 2 consecutive bases within chr2:166,045,070-166,045,073 gives the same sequence; the c. name uses the placement nearest the transcript's 3' end. VCF-style (leftmost placement, unchanged base first): chr2-166045069-CAT-C. GRCh37 (hg19) VCF-style: chr2-166901579-CAT-C.
Other names: c.1634_1635del, p.Thr544_Tyr545insTer (NM_001165964.3, NM_001202435.3, NM_001353948.2 and 7 more transcripts); c.1631_1632del, p.Thr543_Tyr544insTer (NM_001353954.2, NM_001353955.2, NM_001353960.2); c.-794AT[1] (NM_001353961.2).
Identifiers: ClinVar variation 965728 (VCV000965728.8), dbSNP rs1697632671, ClinGen allele CA1304860628.